The following is an entry in ClinVar:

NM_000136.3(FANCC):c.1352G>A (p.Gly451Asp)

Genes: FANCC (FA complementation group C; minus strand), AOPEP (aminopeptidase O (putative); plus strand). Cytogenetic location: 9q22.32.
Variant type: single nucleotide variant.
Coding change: c.1352G>A on transcript NM_000136.3 (MANE Select); coding-DNA position 1352, G replaced by A.
Protein change: p.Gly451Asp; replaces glycine 451 with aspartic acid.
Molecular consequence: missense variant.
Genome position (GRCh38, 1-based): chr9:95,107,247, C>T on the plus strand (G>A on the coding strand, the complement: FANCC is on the minus strand). VCF-style: chr9-95107247-C-T. GRCh37 (hg19) VCF-style: chr9-97869529-C-T.
Other names: c.1352G>A, p.Gly451Asp (NM_001243743.2); short protein forms G451D.
Identifiers: ClinVar variation 1770631 (VCV001770631.3), dbSNP rs772474835, ClinGen allele CA374106252.
Genomic context (GRCh38, chr9:95,107,247, plus strand): 5'-GCTACCGTCTGCAGGTCCTGGGCTGAGAGGCTGCTGCTTCTGGACATTGCCAGGAGGTGG[C>T]CCAGCACGGCCTTCACCTGGACCTGGGCAATAGTATTTCACAGGGGAGAGGTTAGGAAGA-3'
Protein context (NP_000127.2, residues 441-461): QTMVQVKAVL[Gly451Asp]HLLAMSRSSS

ClinVar aggregate classification (germline): Conflicting classifications of pathogenicity. Review status: criteria provided, conflicting classifications (1 of 4 stars). 2 submissions from 2 submitters: Uncertain significance (1); Likely benign (1). Last evaluated 2025-10-03.

Conditions:
Hereditary cancer-predisposing syndrome. Also called: Hereditary Cancer Syndrome; Hereditary neoplastic syndrome; Neoplastic Syndromes, Hereditary; Tumor predisposition. Identifiers: Orphanet 140162, MedGen C0027672, MeSH D009386, MONDO:0015356.
Fanconi anemia (FA). Also called: Fanconi's anemia. Identifiers: Orphanet 84, MedGen C0015625, MeSH D005199, MONDO:0019391.

Allele frequency attached by ClinVar (database versions not stated): TOPMed below 0.00001.

Submissions (2):

Labcorp Genetics (formerly Invitae), Labcorp
Classification: Uncertain significance for Fanconi anemia. Last evaluated: 2025-10-03. Review status: criteria provided, single submitter. Criteria: Invitae Variant Classification Sherloc (09022015). Collection method: clinical testing. Allele origin: germline.
Comment: This sequence change replaces glycine, which is neutral and non-polar, with aspartic acid, which is acidic and polar, at codon 451 of the FANCC protein (p.Gly451Asp). This variant is not present in population databases (gnomAD no frequency). This variant has not been reported in the literature in individuals affected with FANCC-related conditions. ClinVar contains an entry for this variant (Variation ID: 1770631). Invitae Evidence Modeling of protein sequence and biophysical properties (such as structural, functional, and spatial information, amino acid conservation, physicochemical variation, residue mobility, and thermodynamic stability) indicates that this missense variant is not expected to disrupt FANCC protein function with a negative predictive value of 80%. In summary, the available evidence is currently insufficient to determine the role of this variant in disease. Therefore, it has been classified as a Variant of Uncertain Significance.

Ambry Genetics
Classification: Likely benign for Hereditary cancer-predisposing syndrome. Last evaluated: 2024-03-25. Review status: criteria provided, single submitter. Criteria: Ambry Variant Classification Scheme 2023. Collection method: clinical testing. Allele origin: germline.

Literature cited by the submitters: PubMed 32235514 (cited by Ambry Genetics).